The following is an entry in ClinVar:

ClinVar aggregate classification (germline): Uncertain significance (1 of 4 stars; one submission).

Allele frequency attached by ClinVar (database versions not stated): TOPMed below 0.00001.
gnomAD v4.1: 16 of 1,612,894 alleles (0.00099%); highest among the groups gnomAD compares: Non-Finnish European, 0.0013%; no homozygotes.

Submission:

Labcorp Genetics (formerly Invitae), Labcorp
Classification: Uncertain significance. Last evaluated: 2022-06-25. Review status: criteria provided, single submitter. Criteria: Invitae Variant Classification Sherloc (09022015). Collection method: clinical testing. Allele origin: germline.
Comment: In summary, the available evidence is currently insufficient to determine the role of this variant in disease. Therefore, it has been classified as a Variant of Uncertain Significance. Algorithms developed to predict the effect of missense changes on protein structure and function are either unavailable or do not agree on the potential impact of this missense change (SIFT: "Tolerated"; PolyPhen-2: "Not Available"; Align-GVGD: "Class C0"). This variant has not been reported in the literature in individuals affected with PCLO-related conditions. This variant is not present in population databases (gnomAD no frequency). This sequence change replaces alanine, which is neutral and non-polar, with proline, which is neutral and non-polar, at codon 363 of the PCLO protein (p.Ala363Pro).

NM_033026.6(PCLO):c.1087G>C (p.Ala363Pro)

Gene: PCLO (piccolo presynaptic cytomatrix protein; minus strand). Cytogenetic location: 7q21.11.
Variant type: single nucleotide variant.
Coding change: c.1087G>C on transcript NM_033026.6 (MANE Select); coding-DNA position 1087, G replaced by C.
Protein change: p.Ala363Pro; replaces alanine 363 with proline.
Molecular consequence: missense variant.
Genome position (GRCh38, 1-based): chr7:83,155,554, C>G on the plus strand (G>C on the coding strand, the complement: PCLO is on the minus strand). VCF-style: chr7-83155554-C-G. GRCh37 (hg19) VCF-style: chr7-82784870-C-G.
Other names: c.1087G>C, p.Ala363Pro (NM_014510.3); short protein forms A363P.
Identifiers: ClinVar variation 1903543 (VCV001903543.5), dbSNP rs1349784652, ClinGen allele CA367915907.